The following is an entry in ClinVar:

ClinVar aggregate classification (germline): Uncertain significance (1 of 4 stars; one submission).

Submission:

GeneDx
Classification: Uncertain significance. Last evaluated: 2024-12-16. Review status: criteria provided, single submitter. Criteria: GeneDx Variant Classification Process June 2021. Collection method: clinical testing. Allele origin: germline. Affected: yes.
Comment: Not observed at significant frequency in large population cohorts (gnomAD); In silico analysis supports that this missense variant has a deleterious effect on protein structure/function; Has not been previously published as pathogenic or benign to our knowledge

NM_001039591.3(USP9X):c.2843A>C (p.Lys948Thr)

Gene: USP9X (ubiquitin specific peptidase 9 X-linked; plus strand). Cytogenetic location: Xp11.4.
Variant type: single nucleotide variant.
Coding change: c.2843A>C on transcript NM_001039591.3 (MANE Select); coding-DNA position 2843, A replaced by C.
Protein change: p.Lys948Thr; replaces lysine 948 with threonine.
Molecular consequence: missense variant.
Genome position (GRCh38, 1-based): chrX:41,170,201, A>C. VCF-style: chrX-41170201-A-C. GRCh37 (hg19) VCF-style: chrX-41029454-A-C.
Other names: c.2843A>C, p.Lys948Thr (NM_001039590.3); c.2858A>C, p.Lys953Thr (NM_001410748.1, NM_001410749.1); short protein forms K948T, K953T.
Identifiers: ClinVar variation 3906722 (VCV003906722.1).